The following is an entry in ClinVar:

ClinVar aggregate classification (germline): Uncertain significance (1 of 4 stars; one submission).

Conditions:
Inborn genetic diseases. Identifiers: MedGen C0950123, MeSH D030342.

gnomAD v4.1: 2 of 1,613,956 alleles (0.00012%); highest among the groups gnomAD compares: Non-Finnish European, 0.00017%; no homozygotes.

Submission:

Ambry Genetics
Classification: Uncertain significance for Inborn genetic diseases. Last evaluated: 2026-03-03. Review status: criteria provided, single submitter. Criteria: Ambry Variant Classification Scheme 2023. Collection method: clinical testing. Allele origin: germline.
Comment: The c.1573-5C>T intronic alteration consists of a C to T substitution 5 nucleotides before coding exon 12 in the SPTAN1 gene. This variant was not reported in population-based cohorts in the Genome Aggregation Database (gnomAD). Based on insufficient or conflicting evidence, the clinical significance of this alteration remains unclear.

NM_001130438.3(SPTAN1):c.1573-5C>T

Gene: SPTAN1 (spectrin alpha, non-erythrocytic 1; plus strand). Cytogenetic location: 9q34.11.
Variant type: single nucleotide variant.
Coding change: c.1573-5C>T on transcript NM_001130438.3 (MANE Select); 5 bases into the intron before coding-DNA position 1573, C replaced by T.
Molecular consequence: intron variant.
Genome position (GRCh38, 1-based): chr9:128,582,474, C>T. VCF-style: chr9-128582474-C-T. GRCh37 (hg19) VCF-style: chr9-131344753-C-T.
Other names: c.1609-5C>T (NM_001375318.1, NM_001375312.2, NM_001438440.1); c.1573-5C>T (NM_001375311.2, NM_001375314.2, NM_001375310.1 and 10 more transcripts).
Identifiers: ClinVar variation 4840335 (VCV004840335.1).